The following is an entry in ClinVar:

ClinVar aggregate classification (germline): Uncertain significance (1 of 4 stars; one submission).

Conditions:
Wilson disease (WND). Also called: Wilson's disease. Identifiers: Orphanet 905, MedGen C0019202, MONDO:0010200, OMIM 277900. Disease mechanism: loss of function.

Allele frequency attached by ClinVar (database versions not stated): gnomAD exomes below 0.00001; ExAC 0.00001.
gnomAD v4.1: 2 of 1,611,262 alleles (0.00012%); highest among the groups gnomAD compares: Non-Finnish European, 0.00017%; no homozygotes.

Submission:

All of Us Research Program, National Institutes of Health
Classification: Uncertain significance for Wilson disease. Last evaluated: 2023-11-20. Review status: criteria provided, single submitter. Criteria: ACMG Guidelines, 2015. Collection method: clinical testing. Allele origin: germline. Inheritance: Autosomal recessive inheritance. Observed: 1 variant allele, 1 heterozygote.
Comment: This missense variant replaces isoleucine with valine at codon 185 of the ATP7B protein. Computational prediction suggests that this variant may not impact protein structure and function (internally defined REVEL score threshold <= 0.5, PMID: 27666373). To our knowledge, functional studies have not been reported for this variant. This variant has not been reported in individuals affected with ATP7B-related disorders in the literature. This variant has been identified in 1/249100 chromosomes in the general population by the Genome Aggregation Database (gnomAD). The available evidence is insufficient to determine the role of this variant in disease conclusively. Therefore, this variant is classified as a Variant of Uncertain Significance.

This study involves interpretation of variants in research participants for the purpose of population health screening. Participant phenotype was not available at the time of variant classification. Additional details can be found in publication PMID: 35346344, PMCID: PMC8962531

NM_000053.4(ATP7B):c.553A>G (p.Ile185Val)

Gene: ATP7B (ATPase copper transporting beta; minus strand). Cytogenetic location: 13q14.3.
Variant type: single nucleotide variant.
Coding change: c.553A>G on transcript NM_000053.4 (MANE Select); coding-DNA position 553, A replaced by G.
Protein change: p.Ile185Val; replaces isoleucine 185 with valine.
Molecular consequence: missense variant.
Genome position (GRCh38, 1-based): chr13:51,974,667, T>C on the plus strand (A>G on the coding strand, the complement: ATP7B is on the minus strand). VCF-style: chr13-51974667-T-C. GRCh37 (hg19) VCF-style: chr13-52548803-T-C.
Other names: c.553A>G, p.Ile185Val (NM_001005918.3, NM_001243182.2, NM_001330578.2 and 30 more transcripts); c.457A>G, p.Ile153Val (NM_001406530.1, NM_001406543.1, NM_001406544.1 and 4 more transcripts); short protein forms I153V, I185V.
Identifiers: ClinVar variation 3074534 (VCV003074534.1), dbSNP rs774117594, ClinGen allele CA6989535.